The following is an entry in ClinVar:

ClinVar aggregate classification (germline): Uncertain significance (1 of 4 stars; one submission).

Conditions:
Oculodentodigital dysplasia, autosomal recessive. Also called: OCULODENTOOSSEOUS DYSPLASIA, AUTOSOMAL RECESSIVE; ODDD, AUTOSOMAL RECESSIVE; ODOD, AUTOSOMAL RECESSIVE. Identifiers: Orphanet 2710, MedGen C2749477, MONDO:0009768, OMIM 257850.

Submission:

Labcorp Genetics (formerly Invitae), Labcorp
Classification: Uncertain significance for Oculodentodigital dysplasia, autosomal recessive. Last evaluated: 2024-08-04. Review status: criteria provided, single submitter. Criteria: Invitae Variant Classification Sherloc (09022015). Collection method: clinical testing. Allele origin: germline.
Comment: This sequence change replaces glutamic acid, which is acidic and polar, with glycine, which is neutral and non-polar, at codon 227 of the GJA1 protein (p.Glu227Gly). This variant is not present in population databases (gnomAD no frequency). This variant has not been reported in the literature in individuals affected with GJA1-related conditions. Advanced modeling of protein sequence and biophysical properties (such as structural, functional, and spatial information, amino acid conservation, physicochemical variation, residue mobility, and thermodynamic stability) performed at Invitae indicates that this missense variant is expected to disrupt GJA1 protein function with a positive predictive value of 80%. This variant disrupts the p.Glu227 amino acid residue in GJA1. Other variant(s) that disrupt this residue have been determined to be pathogenic (Invitae). This suggests that this residue is clinically significant, and that variants that disrupt this residue are likely to be disease-causing. In summary, the available evidence is currently insufficient to determine the role of this variant in disease. Therefore, it has been classified as a Variant of Uncertain Significance.

NM_000165.5(GJA1):c.680A>G (p.Glu227Gly)

Gene: GJA1 (gap junction protein alpha 1; plus strand). Cytogenetic location: 6q22.31.
Variant type: single nucleotide variant.
Coding change: c.680A>G on transcript NM_000165.5 (MANE Select); coding-DNA position 680, A replaced by G.
Protein change: p.Glu227Gly; replaces glutamic acid 227 with glycine.
Molecular consequence: missense variant.
Genome position (GRCh38, 1-based): chr6:121,447,527, A>G. VCF-style: chr6-121447527-A-G. GRCh37 (hg19) VCF-style: chr6-121768673-A-G.
Other names: short protein forms E227G.
Identifiers: ClinVar variation 3658015 (VCV003658015.2).